The following is an entry in ClinVar:

NM_005188.4(CBL):c.471C>G (p.Ile157Met)

Gene: CBL (Cbl proto-oncogene; plus strand). Cytogenetic location: 11q23.3.
Variant type: single nucleotide variant.
Coding change: c.471C>G on transcript NM_005188.4 (MANE Select); coding-DNA position 471, C replaced by G.
Protein change: p.Ile157Met; replaces isoleucine 157 with methionine.
Molecular consequence: missense variant.
Genome position (GRCh38, 1-based): chr11:119,271,762, C>G. VCF-style: chr11-119271762-C-G. GRCh37 (hg19) VCF-style: chr11-119142472-C-G.
Other names: c.471C>G (NM_005188.2); short protein forms I157M.
Identifiers: ClinVar variation 2988775 (VCV002988775.6), dbSNP rs2496927333, ClinGen allele CA382907120.

ClinVar aggregate classification (germline): Uncertain significance. Review status: criteria provided, multiple submitters, no conflicts (2 of 4 stars). 3 submissions from 3 submitters: Uncertain significance (3). Last evaluated 2026-01-11.

Conditions:
Cardiovascular phenotype. Identifiers: MedGen CN230736.
RASopathy. Also called: Noonan spectrum disorder; rasopathies. Identifiers: Orphanet 536391, MedGen C5555857, MONDO:0021060.

Allele frequency attached by ClinVar (database versions not stated): gnomAD exomes below 0.00001.
gnomAD v4.1: 2 of 1,613,934 alleles (0.00012%); highest among the groups gnomAD compares: Admixed American, 0.0017%; no homozygotes.

Submissions (3):

Labcorp Genetics (formerly Invitae), Labcorp
Classification: Uncertain significance for RASopathy. Last evaluated: 2026-01-11. Review status: criteria provided, single submitter. Criteria: Invitae Variant Classification Sherloc (09022015). Collection method: clinical testing. Allele origin: germline.
Comment: This sequence change replaces isoleucine, which is neutral and non-polar, with methionine, which is neutral and non-polar, at codon 157 of the CBL protein (p.Ile157Met). This variant is not present in population databases (gnomAD no frequency). This variant has not been reported in the literature in individuals affected with CBL-related conditions. ClinVar contains an entry for this variant (Variation ID: 2988775). Invitae Evidence Modeling of protein sequence and biophysical properties (such as structural, functional, and spatial information, amino acid conservation, physicochemical variation, residue mobility, and thermodynamic stability) has been performed for this missense variant. However, the output from this modeling did not meet the statistical confidence thresholds required to predict the impact of this variant on CBL protein function. In summary, the available evidence is currently insufficient to determine the role of this variant in disease. Therefore, it has been classified as a Variant of Uncertain Significance.

Ambry Genetics
Classification: Uncertain significance for Cardiovascular phenotype. Last evaluated: 2025-10-15. Review status: criteria provided, single submitter. Criteria: Ambry Variant Classification Scheme 2023. Collection method: clinical testing. Allele origin: germline.
Comment: The p.I157M variant (also known as c.471C>G), located in coding exon 3 of the CBL gene, results from a C to G substitution at nucleotide position 471. The isoleucine at codon 157 is replaced by methionine, an amino acid with highly similar properties. This amino acid position is conserved. In addition, this alteration is predicted to be deleterious by in silico analysis. Based on the available evidence, the clinical significance of this variant remains unclear.

Women's Health and Genetics/Laboratory Corporation of America, LabCorp
Classification: Uncertain significance. Last evaluated: 2024-05-03. Review status: criteria provided, single submitter. Criteria: LabCorp Variant Classification Summary - May 2015. Collection method: clinical testing. Allele origin: germline.
Comment: Variant summary: CBL c.471C>G (p.Ile157Met) results in a conservative amino acid change located in the Adaptor protein Cbl, N-terminal helical (IPR003153) of the encoded protein sequence. Four of five in-silico tools predict a damaging effect of the variant on protein function. The variant was absent in 251470 control chromosomes. The available data on variant occurrences in the general population are insufficient to allow any conclusion about variant significance. To our knowledge, no occurrence of c.471C>G in individuals affected with Noonan Syndrome And Related Conditions and no experimental evidence demonstrating its impact on protein function have been reported. ClinVar contains an entry for this variant (Variation ID: 2988775). Based on the evidence outlined above, the variant was classified as uncertain significance.